The following is an entry in ClinVar:

ClinVar aggregate classification (germline): Likely benign. Review status: criteria provided, multiple submitters, no conflicts (2 of 4 stars). 4 submissions from 4 submitters: Likely benign (4). Last evaluated 2025-08-17.

Conditions:
Cardiovascular phenotype. Identifiers: MedGen CN230736.
Familial isolated arrhythmogenic right ventricular dysplasia. Identifiers: Orphanet 217656, MedGen C4274968, MONDO:0016342.
Cardiomyopathy (CMYO). Also called: Cardiomyopathies. Identifiers: Orphanet 167848, MedGen C0878544, MONDO:0004994, HP:0001638. Inheritance: Various modes of inheritance.
Arrhythmogenic right ventricular dysplasia 11. Also called: Arrhythmogenic Right Ventricular Dysplasia/Cardiomyopathy11; ARRHYTHMOGENIC RIGHT VENTRICULAR DYSPLASIA, FAMILIAL, 11; Arrhythmogenic right ventricular dysplasia 11 with mild palmoplantar keratoderma and woolly hair. Identifiers: MedGen C1864850, MONDO:0012506, OMIM 610476.

Allele frequency attached by ClinVar (database versions not stated): TOPMed below 0.00001; gnomAD exomes 0.00001; gnomAD 0.00001.

Submissions (4):

Labcorp Genetics (formerly Invitae), Labcorp
Classification: Likely benign for Arrhythmogenic right ventricular dysplasia 11. Last evaluated: 2025-08-17. Review status: criteria provided, single submitter. Criteria: Invitae Variant Classification Sherloc (09022015). Collection method: clinical testing. Allele origin: germline.

All of Us Research Program, National Institutes of Health
Classification: Likely benign for Familial isolated arrhythmogenic right ventricular dysplasia. Last evaluated: 2023-11-30. Review status: criteria provided, single submitter. Criteria: ACMG Guidelines, 2015. Collection method: clinical testing. Allele origin: germline. Inheritance: Autosomal dominant inheritance. Observed: 2 variant alleles, 2 heterozygotes.
Comment: This study involves interpretation of variants in research participants for the purpose of population health screening. Participant phenotype was not available at the time of variant classification. Additional details can be found in publication PMID: 35346344, PMCID: PMC8962531

Ambry Genetics
Classification: Likely benign for Cardiovascular phenotype. Last evaluated: 2023-02-20. Review status: criteria provided, single submitter. Criteria: Ambry Variant Classification Scheme 2023. Collection method: clinical testing. Allele origin: germline.

Color Diagnostics, LLC DBA Color Health
Classification: Likely benign for Cardiomyopathy. Last evaluated: 2021-02-02. Review status: criteria provided, single submitter. Criteria: ACMG Guidelines, 2015. Collection method: clinical testing. Allele origin: germline.

NM_024422.6(DSC2):c.60G>A (p.Leu20=)

Genes: DSC2 (desmocollin 2; minus strand), DSCAS (DSC1/DSC2 antisense RNA; plus strand). Cytogenetic location: 18q12.1.
Variant type: single nucleotide variant.
Coding change: c.60G>A on transcript NM_024422.6 (MANE Select); coding-DNA position 60, G replaced by A.
Protein change: p.Leu20=; no amino-acid change (leucine 20 retained).
Molecular consequence: synonymous variant.
Genome position (GRCh38, 1-based): chr18:31,101,912, C>T on the plus strand (G>A on the coding strand, the complement: DSC2 is on the minus strand). VCF-style: chr18-31101912-C-T. GRCh37 (hg19) VCF-style: chr18-28681875-C-T.
Other names: c.60G>A, p.Leu20= (NM_004949.5).
Identifiers: ClinVar variation 1172208 (VCV001172208.10), dbSNP rs1201166808, ClinGen allele CA503391551.